The following is an entry in ClinVar:

NM_003793.4(CTSF):c.1242C>T (p.His414=)

Gene: CTSF (cathepsin F; minus strand). Cytogenetic location: 11q13.2.
Variant type: single nucleotide variant.
Coding change: c.1242C>T on transcript NM_003793.4 (MANE Select); coding-DNA position 1242, C replaced by T.
Protein change: p.His414=; no amino-acid change (histidine 414 retained).
Molecular consequence: synonymous variant.
Genome position (GRCh38, 1-based): chr11:66,564,637, G>A on the plus strand (C>T on the coding strand, the complement: CTSF is on the minus strand). VCF-style: chr11-66564637-G-A. GRCh37 (hg19) VCF-style: chr11-66332108-G-A.
Other names: p.His414=.
Identifiers: ClinVar variation 4683638 (VCV004683638.1).
Genomic context (GRCh38, chr11:66,564,637, plus strand): 5'-CAACACCGCATGGTCAATGAGCCAAGGGCTGCAGAGGGGCCGGAGAGGGCGGGAGATCCC[G>A]TGGCGGTAAAACTGGAGGTGGAGAAGGAGTAGGGGATCGACTCCAAGAAGAGGTCGGGGA-3'
Protein context (NP_003784.2, residues 404-424): INAFGMQFYR[His414=]GISRPLRPLC

ClinVar aggregate classification (germline): Likely benign (1 of 4 stars; one submission).

gnomAD v4.1: 32 of 1,609,956 alleles (0.002%); highest among the groups gnomAD compares: Admixed American, 0.0034%; no homozygotes.

Submission:

Mayo Clinic Laboratories, Mayo Clinic
Classification: Likely benign. Last evaluated: 2025-01-27. Review status: criteria provided, single submitter. Criteria: ACMG Guidelines, 2015. Collection method: clinical testing. Allele origin: germline. Observed: 1 variant allele.
Comment: BP4_moderate, BP7